The following is an entry in ClinVar:

ClinVar aggregate classification (germline): Uncertain significance. Review status: criteria provided, multiple submitters, no conflicts (2 of 4 stars). 2 submissions from 2 submitters: Uncertain significance (2). Last evaluated 2025-10-13.

Conditions:
Birt-Hogg-Dube syndrome. Also called: Birt Hogg Dubé syndrome. Identifiers: Orphanet 122, MedGen C0346010, MONDO:0800444.
Hereditary cancer-predisposing syndrome. Also called: Hereditary neoplastic syndrome; Neoplastic Syndromes, Hereditary; Tumor predisposition; Hereditary Cancer Syndrome. Identifiers: Orphanet 140162, MedGen C0027672, MeSH D009386, MONDO:0015356.

Allele frequency attached by ClinVar (database versions not stated): gnomAD exomes below 0.00001.
gnomAD v4.1: 2 of 1,614,092 alleles (0.00012%); highest among the groups gnomAD compares: South Asian, 0.0022%; no homozygotes.

Submissions (2):

Labcorp Genetics (formerly Invitae), Labcorp
Classification: Uncertain significance for Birt-Hogg-Dube syndrome. Last evaluated: 2025-10-13. Review status: criteria provided, single submitter. Criteria: Invitae Variant Classification Sherloc (09022015). Collection method: clinical testing. Allele origin: germline.
Comment: This sequence change replaces lysine, which is basic and polar, with methionine, which is neutral and non-polar, at codon 78 of the FLCN protein (p.Lys78Met). This variant is present in population databases (no rsID available, gnomAD 0.003%). This variant has not been reported in the literature in individuals affected with FLCN-related conditions. ClinVar contains an entry for this variant (Variation ID: 1021117). Invitae Evidence Modeling of protein sequence and biophysical properties (such as structural, functional, and spatial information, amino acid conservation, physicochemical variation, residue mobility, and thermodynamic stability) indicates that this missense variant is not expected to disrupt FLCN protein function with a negative predictive value of 80%. In summary, the available evidence is currently insufficient to determine the role of this variant in disease. Therefore, it has been classified as a Variant of Uncertain Significance.

Ambry Genetics
Classification: Uncertain significance for Hereditary cancer-predisposing syndrome. Last evaluated: 2024-04-28. Review status: criteria provided, single submitter. Criteria: Ambry Variant Classification Scheme 2023. Collection method: clinical testing. Allele origin: germline.
Comment: The p.K78M variant (also known as c.233A>T), located in coding exon 1 of the FLCN gene, results from an A to T substitution at nucleotide position 233. The lysine at codon 78 is replaced by methionine, an amino acid with similar properties. This amino acid position is highly conserved in available vertebrate species. In addition, the in silico prediction for this alteration is inconclusive. Since supporting evidence is limited at this time, the clinical significance of this alteration remains unclear.

NM_144997.7(FLCN):c.233A>T (p.Lys78Met)

Gene: FLCN (folliculin; minus strand). Cytogenetic location: 17p11.2.
Variant type: single nucleotide variant.
Coding change: c.233A>T on transcript NM_144997.7 (MANE Select); coding-DNA position 233, A replaced by T.
Protein change: p.Lys78Met; replaces lysine 78 with methionine.
Molecular consequence: missense variant.
Genome position (GRCh38, 1-based): chr17:17,227,905, T>A on the plus strand (A>T on the coding strand, the complement: FLCN is on the minus strand). VCF-style: chr17-17227905-T-A. GRCh37 (hg19) VCF-style: chr17-17131219-T-A.
Other names: c.233A>T, p.Lys78Met (NM_001353229.2, NM_001353230.2, NM_001353231.2 and 1 more transcripts); short protein forms K78M.
Identifiers: ClinVar variation 1021117 (VCV001021117.8), dbSNP rs1209539424, ClinGen allele CA398535045.
Genomic context (GRCh38, chr17:17,227,905, plus strand): 5'-ACCTACTGCAGGGATCACAAAACCAAGACCCCAAAGACACTTGCCTCGCACATGTCCGAC[T>A]TTTTGGGCCCCGGGCTGCTGGACTCGACGCTGGCCCCCTCTGCGGGGCTGTGCGCACGCA-3'
Protein context (NP_659434.2, residues 68-88): SVESSSPGPK[Lys78Met]SDMCEGCRSL